The following is an entry in ClinVar:

NM_004526.4(MCM2):c.377G>A (p.Arg126Gln)

Gene: MCM2 (minichromosome maintenance complex component 2; plus strand). Cytogenetic location: 3q21.3.
Variant type: single nucleotide variant.
Coding change: c.377G>A on transcript NM_004526.4 (MANE Select); coding-DNA position 377, G replaced by A.
Protein change: p.Arg126Gln; replaces arginine 126 with glutamine.
Molecular consequence: missense variant. On other transcripts: non-coding transcript variant (1).
Genome position (GRCh38, 1-based): chr3:127,604,748, G>A. VCF-style: chr3-127604748-G-A. GRCh37 (hg19) VCF-style: chr3-127323591-G-A.
Other names: short protein forms R126Q.
Identifiers: ClinVar variation 2587939 (VCV002587939.5), dbSNP rs149927939, ClinGen allele CA2595539.

ClinVar aggregate classification (germline): Uncertain significance. Review status: criteria provided, multiple submitters, no conflicts (2 of 4 stars). 2 submissions from 2 submitters: Uncertain significance (2). Last evaluated 2025-12-07.

Allele frequency attached by ClinVar (database versions not stated): ExAC 0.00008; gnomAD 0.00005; ESP Exome Variant Server 0.00008; gnomAD exomes 0.00008; TOPMed 0.00006.

Submissions (2):

Labcorp Genetics (formerly Invitae), Labcorp
Classification: Uncertain significance. Last evaluated: 2025-12-07. Review status: criteria provided, single submitter. Criteria: Invitae Variant Classification Sherloc (09022015). Collection method: clinical testing. Allele origin: germline.
Comment: This sequence change replaces arginine, which is basic and polar, with glutamine, which is neutral and polar, at codon 126 of the MCM2 protein (p.Arg126Gln). This variant is present in population databases (rs149927939, gnomAD 0.03%). This variant has not been reported in the literature in individuals affected with MCM2-related conditions. ClinVar contains an entry for this variant (Variation ID: 2587939). An algorithm developed to predict the effect of missense changes on protein structure and function (PolyPhen-2) suggests that this variant is likely to be tolerated. In summary, the available evidence is currently insufficient to determine the role of this variant in disease. Therefore, it has been classified as a Variant of Uncertain Significance.

Ambry Genetics
Classification: Uncertain significance. Last evaluated: 2025-08-24. Review status: criteria provided, single submitter. Criteria: Ambry Variant Classification Scheme 2023. Collection method: clinical testing. Allele origin: germline.